The following is an entry in ClinVar:

ClinVar aggregate classification (germline): Pathogenic (1 of 4 stars; one submission).

Conditions:
Marfan syndrome (MFS). Also called: MARFAN SYNDROME, TYPE I; Marfan syndrome type 1; Marfan's syndrome; Marfan syndrome, classic; FBN1-Related Marfan Syndrome. Identifiers: Orphanet 284963, Orphanet 558, MedGen C0024796, MONDO:0007947, OMIM 154700.
Familial thoracic aortic aneurysm and aortic dissection (TAAD). Also called: Thoracic aortic aneurysms and dissections. Identifiers: Orphanet 91387, MedGen C4707243, MONDO:0019625.

Submission:

Labcorp Genetics (formerly Invitae), Labcorp
Classification: Pathogenic for Marfan syndrome; Familial thoracic aortic aneurysm and aortic dissection. Last evaluated: 2024-07-27. Review status: criteria provided, single submitter. Criteria: Invitae Variant Classification Sherloc (09022015). Collection method: clinical testing. Allele origin: germline.
Comment: This sequence change creates a premature translational stop signal (p.Asp26Thrfs*9) in the FBN1 gene. It is expected to result in an absent or disrupted protein product. Loss-of-function variants in FBN1 are known to be pathogenic (PMID: 17657824, 19293843). This variant is not present in population databases (gnomAD no frequency). This variant has not been reported in the literature in individuals affected with FBN1-related conditions. For these reasons, this variant has been classified as Pathogenic.

Literature cited by the submitters: PubMed 17657824; PubMed 19293843.

NM_000138.5(FBN1):c.76del (p.Asp26fs)

Genes: FBN1 (fibrillin 1; minus strand), LOC130057019 (ATAC-STARR-seq lymphoblastoid silent region 6417; plus strand). Cytogenetic location: 15q21.1.
Variant type: Deletion.
Coding change: c.76del on transcript NM_000138.5 (MANE Select); coding-DNA position 76, one base deleted (G; older notation c.76delG).
Protein change: p.Asp26fs; shifts the reading frame from aspartic acid 26.
Molecular consequence: frameshift variant.
Genome position (GRCh38, 1-based): chr15:48,644,694, C deleted on the plus strand (G on the coding strand, the reverse complement: FBN1 is on the minus strand); the first of 2 consecutive C bases (chr15:48,644,694-48,644,695); deleting either gives the same sequence. VCF-style (leftmost placement, unchanged base first): chr15-48644693-TC-T. GRCh37 (hg19) VCF-style: chr15-48936890-TC-T.
Other names: c.76del, p.Asp26fs (NM_001406716.1, NM_001406717.1, NM_001406718.1); short protein forms D26fs.
Identifiers: ClinVar variation 3756524 (VCV003756524.2).
Genomic context (GRCh38, chr15:48,644,693, plus strand): 5'-CCTCTTCTCTTGGCCCGACTGGCTCTGGTTTCCTTCACGTTCCCAGCCTCCAAATTGGCG[TC>T]CGCCCCATGGCTCGTGTAGGACGCTAAAAGCACGGTAAATCCCAGGGCGATCTCCAGCAG-3'